The following is an entry in ClinVar:

NM_015041.3(CLUAP1):c.52T>C (p.Tyr18His)

Gene: CLUAP1 (clusterin associated protein 1; plus strand). Cytogenetic location: 16p13.3.
Variant type: single nucleotide variant.
Coding change: c.52T>C on transcript NM_015041.3 (MANE Select); coding-DNA position 52, T replaced by C.
Protein change: p.Tyr18His; replaces tyrosine 18 with histidine.
Molecular consequence: missense variant.
Genome position (GRCh38, 1-based): chr16:3,504,749, T>C. VCF-style: chr16-3504749-T-C. GRCh37 (hg19) VCF-style: chr16-3554749-T-C.
Other names: c.52T>C, p.Tyr18His (NM_001330454.2); short protein forms Y18H.
Identifiers: ClinVar variation 3695846 (VCV003695846.2).

ClinVar aggregate classification (germline): Uncertain significance (1 of 4 stars; one submission).

gnomAD v4.1: 8 of 1,611,374 alleles (0.0005%); highest among the groups gnomAD compares: Admixed American, 0.0033%; no homozygotes.

Submission:

Labcorp Genetics (formerly Invitae), Labcorp
Classification: Uncertain significance. Last evaluated: 2024-10-13. Review status: criteria provided, single submitter. Criteria: Invitae Variant Classification Sherloc (09022015). Collection method: clinical testing. Allele origin: germline.
Comment: This sequence change replaces tyrosine, which is neutral and polar, with histidine, which is basic and polar, at codon 18 of the CLUAP1 protein (p.Tyr18His). This variant is present in population databases (rs770554988, gnomAD 0.0009%). This variant has not been reported in the literature in individuals affected with CLUAP1-related conditions. Invitae Evidence Modeling of protein sequence and biophysical properties (such as structural, functional, and spatial information, amino acid conservation, physicochemical variation, residue mobility, and thermodynamic stability) indicates that this missense variant is expected to disrupt CLUAP1 protein function with a positive predictive value of 80%. In summary, the available evidence is currently insufficient to determine the role of this variant in disease. Therefore, it has been classified as a Variant of Uncertain Significance.